The following is an entry in ClinVar:

NM_001363711.2(DUOX2):c.3766A>G (p.Ile1256Val)

Gene: DUOX2 (dual oxidase 2; minus strand). Cytogenetic location: 15q21.1.
Variant type: single nucleotide variant.
Coding change: c.3766A>G on transcript NM_001363711.2 (MANE Select); coding-DNA position 3766, A replaced by G.
Protein change: p.Ile1256Val; replaces isoleucine 1256 with valine.
Molecular consequence: missense variant.
Genome position (GRCh38, 1-based): chr15:45,097,319, T>C on the plus strand (A>G on the coding strand, the complement: DUOX2 is on the minus strand). VCF-style: chr15-45097319-T-C. GRCh37 (hg19) VCF-style: chr15-45389517-T-C.
Other names: c.3766A>G (NM_014080.4); c.3766A>G, p.Ile1256Val (NM_014080.5); short protein forms I1256V.
Identifiers: ClinVar variation 2777437 (VCV002777437.4), dbSNP rs2504743226, ClinGen allele CA392254970.

ClinVar aggregate classification (germline): Uncertain significance. Review status: criteria provided, multiple submitters, no conflicts (2 of 4 stars). 2 submissions from 2 submitters: Uncertain significance (2). Last evaluated 2025-08-12.

Conditions:
Inborn genetic diseases. Identifiers: MedGen C0950123, MeSH D030342.

Allele frequency attached by ClinVar (database versions not stated): gnomAD exomes 0.00001.
gnomAD v4.1: 5 of 1,614,216 alleles (0.00031%); highest among the groups gnomAD compares: Non-Finnish European, 0.00042%; no homozygotes.

Submissions (2):

Ambry Genetics
Classification: Uncertain significance for Inborn genetic diseases. Last evaluated: 2025-08-12. Review status: criteria provided, single submitter. Criteria: Ambry Variant Classification Scheme 2023. Collection method: clinical testing. Allele origin: germline.

Labcorp Genetics (formerly Invitae), Labcorp
Classification: Uncertain significance. Last evaluated: 2023-03-08. Review status: criteria provided, single submitter. Criteria: Invitae Variant Classification Sherloc (09022015). Collection method: clinical testing. Allele origin: germline.
Comment: This sequence change replaces isoleucine, which is neutral and non-polar, with valine, which is neutral and non-polar, at codon 1256 of the DUOX2 protein (p.Ile1256Val). This variant is not present in population databases (gnomAD no frequency). This variant has not been reported in the literature in individuals affected with DUOX2-related conditions. Advanced modeling of protein sequence and biophysical properties (such as structural, functional, and spatial information, amino acid conservation, physicochemical variation, residue mobility, and thermodynamic stability) performed at Invitae indicates that this missense variant is not expected to disrupt DUOX2 protein function. In summary, the available evidence is currently insufficient to determine the role of this variant in disease. Therefore, it has been classified as a Variant of Uncertain Significance.